The following is an entry in ClinVar:

ClinVar aggregate classification (germline): Uncertain significance. Review status: criteria provided, multiple submitters, no conflicts (2 of 4 stars). 2 submissions from 2 submitters: Uncertain significance (2). Last evaluated 2026-08-11.

Conditions:
Inborn genetic diseases. Identifiers: MedGen C0950123, MeSH D030342.
SCAPER-related disorder. Also called: SCAPER-related condition.

gnomAD v4.1: 7 of 1,602,408 alleles (0.00044%); highest among the groups gnomAD compares: African/African-American, 0.0013%; no homozygotes.

Submissions (2):

PreventionGenetics, part of Exact Sciences
Classification: Uncertain significance for SCAPER-related condition. Last evaluated: 2026-08-11. Review status: criteria provided, single submitter. Criteria: ACMG Guidelines, 2015. Collection method: clinical testing. Allele origin: germline.
Comment: The SCAPER c.1702C>T variant is predicted to result in the amino acid substitution p.Arg568Cys. To our knowledge, this variant has not been reported in the literature or in a large population database (gnomAD), indicating this variant is rare. At this time, the clinical significance of this variant is uncertain due to the absence of conclusive functional and genetic evidence.

Ambry Genetics
Classification: Uncertain significance for Inborn genetic diseases. Last evaluated: 2023-12-07. Review status: criteria provided, single submitter. Criteria: Ambry Variant Classification Scheme 2023. Collection method: clinical testing. Allele origin: germline.

NM_020843.4(SCAPER):c.1684C>T (p.Arg562Cys)

Gene: SCAPER (S-phase cyclin A associated protein in the ER; minus strand). Cytogenetic location: 15q24.3.
Variant type: single nucleotide variant.
Coding change: c.1684C>T on transcript NM_020843.4 (MANE Select); coding-DNA position 1684, C replaced by T.
Protein change: p.Arg562Cys; replaces arginine 562 with cysteine.
Molecular consequence: missense variant. On other transcripts: non-coding transcript variant (1).
Genome position (GRCh38, 1-based): chr15:76,765,002, G>A on the plus strand (C>T on the coding strand, the complement: SCAPER is on the minus strand). VCF-style: chr15-76765002-G-A. GRCh37 (hg19) VCF-style: chr15-77057343-G-A.
Other names: c.946C>T, p.Arg316Cys (NM_001145923.2); c.1702C>T, p.Arg568Cys (NM_001353009.2); c.1282C>T, p.Arg428Cys (NM_001353010.2, NM_001353012.2); c.1300C>T, p.Arg434Cys (NM_001353011.2); c.1702C>T (NM_001353009.1); short protein forms R428C, R434C, R316C, R562C, R568C.
Identifiers: ClinVar variation 3158283 (VCV003158283.2), dbSNP rs2063025612, ClinGen allele CA393637677.